The following is an entry in ClinVar:

ClinVar aggregate classification (germline): Pathogenic (1 of 4 stars; one submission).

Conditions:
Rhabdoid tumor predisposition syndrome 2 (RTPS2). Identifiers: Orphanet 231108, Orphanet 69077, MedGen C2750074, MONDO:0013224, OMIM 613325.

Submission:

Labcorp Genetics (formerly Invitae), Labcorp
Classification: Pathogenic for Rhabdoid tumor predisposition syndrome 2. Last evaluated: 2025-10-29. Review status: criteria provided, single submitter. Criteria: Invitae Variant Classification Sherloc (09022015). Collection method: clinical testing. Allele origin: germline.
Comment: This sequence change creates a premature translational stop signal (p.Gln176*) in the SMARCA4 gene. It is expected to result in an absent or disrupted protein product. Loss-of-function variants in SMARCA4 are known to be pathogenic (PMID: 24658001, 24658002). This variant is not present in population databases (gnomAD no frequency). This variant has not been reported in the literature in individuals affected with SMARCA4-related conditions. For these reasons, this variant has been classified as Pathogenic.

Literature cited by the submitters: PubMed 24658001; PubMed 24658002.

NM_003072.5(SMARCA4):c.526C>T (p.Gln176Ter)

Gene: SMARCA4 (SWI/SNF related BAF chromatin remodeling complex subunit ATPase 4; plus strand). Cytogenetic location: 19p13.2.
Variant type: single nucleotide variant.
Coding change: c.526C>T on transcript NM_003072.5 (MANE Select); coding-DNA position 526, C replaced by T.
Protein change: p.Gln176Ter; replaces glutamine 176 with a stop codon.
Molecular consequence: nonsense. On other transcripts: non-coding transcript variant (1).
Genome position (GRCh38, 1-based): chr19:10,986,359, C>T. VCF-style: chr19-10986359-C-T. GRCh37 (hg19) VCF-style: chr19-11097035-C-T.
Other names: c.526C>T, p.Gln176Ter (NM_001128844.3, NM_001128845.2, NM_001128846.2 and 6 more transcripts); short protein forms Q176*.
Identifiers: ClinVar variation 4727385 (VCV004727385.1).